The following is an entry in ClinVar:

NM_019112.4(ABCA7):c.4561A>C (p.Lys1521Gln)

Gene: ABCA7 (ATP binding cassette subfamily A member 7; plus strand). Cytogenetic location: 19p13.3.
Variant type: single nucleotide variant.
Coding change: c.4561A>C on transcript NM_019112.4 (MANE Select); coding-DNA position 4561, A replaced by C.
Protein change: p.Lys1521Gln; replaces lysine 1521 with glutamine.
Molecular consequence: missense variant.
Genome position (GRCh38, 1-based): chr19:1,056,474, A>C. VCF-style: chr19-1056474-A-C. GRCh37 (hg19) VCF-style: chr19-1056473-A-C.
Other names: short protein forms K1521Q.
Identifiers: ClinVar variation 930746 (VCV000930746.4), dbSNP rs1299826816, ClinGen allele CA402977070.

ClinVar aggregate classification (germline): Uncertain significance. Review status: criteria provided, multiple submitters, no conflicts (2 of 4 stars). 2 submissions from 2 submitters: Uncertain significance (2). Last evaluated 2025-01-22.

Conditions:
Alzheimer disease 9. Also called: ALZHEIMER DISEASE 9, SUSCEPTIBILITY TO; ALZHEIMER DISEASE 9, LATE-ONSET. Identifiers: MedGen C4282179, MONDO:0012153, OMIM 608907.

Allele frequency attached by ClinVar (database versions not stated): gnomAD exomes below 0.00001; TOPMed below 0.00001.

Submissions (2):

Ambry Genetics
Classification: Uncertain significance. Last evaluated: 2025-01-22. Review status: criteria provided, single submitter. Criteria: Ambry Variant Classification Scheme 2023. Collection method: clinical testing. Allele origin: germline.

Centre for Mendelian Genomics, University Medical Centre Ljubljana
Classification: Uncertain significance for Alzheimer disease 9. Last evaluated: 2019-10-03. Review status: criteria provided, single submitter. Criteria: ACMG Guidelines, 2015. Collection method: clinical testing. Allele origin: unknown. Affected: yes.
Comment: This variant was classified as: Uncertain significance. The available evidence on this variant's pathogenicity is insufficient or conflicting. The following ACMG criteria were applied in classifying this variant: PM2,PP3,BP1.